The following is an entry in ClinVar:

NM_001844.5(COL2A1):c.2881G>C (p.Asp961His)

Gene: COL2A1 (collagen type II alpha 1 chain; minus strand). Cytogenetic location: 12q13.11.
Variant type: single nucleotide variant.
Coding change: c.2881G>C on transcript NM_001844.5 (MANE Select); coding-DNA position 2881, G replaced by C.
Protein change: p.Asp961His; replaces aspartic acid 961 with histidine.
Molecular consequence: missense variant.
Genome position (GRCh38, 1-based): chr12:47,978,611, C>G on the plus strand (G>C on the coding strand, the complement: COL2A1 is on the minus strand). VCF-style: chr12-47978611-C-G. GRCh37 (hg19) VCF-style: chr12-48372394-C-G.
Other names: c.2674G>C, p.Asp892His (NM_033150.3); short protein forms D961H, D892H.
Identifiers: ClinVar variation 3652561 (VCV003652561.2).

ClinVar aggregate classification (germline): Uncertain significance (1 of 4 stars; one submission).

Submission:

Labcorp Genetics (formerly Invitae), Labcorp
Classification: Uncertain significance. Last evaluated: 2024-05-07. Review status: criteria provided, single submitter. Criteria: Invitae Variant Classification Sherloc (09022015). Collection method: clinical testing. Allele origin: germline.
Comment: This sequence change replaces aspartic acid, which is acidic and polar, with histidine, which is basic and polar, at codon 961 of the COL2A1 protein (p.Asp961His). This variant is not present in population databases (gnomAD no frequency). This variant has not been reported in the literature in individuals affected with COL2A1-related conditions. Advanced modeling of protein sequence and biophysical properties (such as structural, functional, and spatial information, amino acid conservation, physicochemical variation, residue mobility, and thermodynamic stability) performed at Invitae indicates that this missense variant is not expected to disrupt COL2A1 protein function with a negative predictive value of 95%. In summary, the available evidence is currently insufficient to determine the role of this variant in disease. Therefore, it has been classified as a Variant of Uncertain Significance.